The following is an entry in ClinVar:

ClinVar aggregate classification (germline): Conflicting classifications of pathogenicity. Review status: criteria provided, conflicting classifications (1 of 4 stars). 5 submissions from 5 submitters: Uncertain significance (4); Likely benign (1). Last evaluated 2024-12-29.

Conditions:
Hereditary cancer-predisposing syndrome. Also called: Tumor predisposition; Neoplastic Syndromes, Hereditary; Hereditary Cancer Syndrome; Hereditary neoplastic syndrome. Identifiers: Orphanet 140162, MedGen C0027672, MeSH D009386, MONDO:0015356.
Hereditary breast ovarian cancer syndrome. Also called: Hereditary breast and ovarian cancer syndrome (HBOC); Breast and ovarian cancer; BRCA1- and BRCA2-Associated Hereditary Breast and Ovarian Cancer; Hereditary breast and ovarian cancer; Hereditary breast and ovarian cancer syndrome; Hereditary breast and/or ovarian cancer syndrome. Identifiers: Orphanet 145, MedGen C0677776, MeSH D061325, MONDO:0003582. Disease mechanism: loss of function.

Submissions (5):

Ambry Genetics
Classification: Uncertain significance for Hereditary cancer-predisposing syndrome. Last evaluated: 2024-12-29. Review status: criteria provided, single submitter. Criteria: Ambry Variant Classification Scheme 2023. Collection method: clinical testing. Allele origin: germline.
Comment: The p.P436H variant (also known as c.1307C>A), located in coding exon 9 of the BRCA1 gene, results from a C to A substitution at nucleotide position 1307. The proline at codon 436 is replaced by histidine, an amino acid with similar properties. This amino acid position is conserved. In addition, the in silico prediction for this alteration is inconclusive. Since supporting evidence is limited at this time, the clinical significance of this alteration remains unclear.

University of Washington Department of Laboratory Medicine, University of Washington
Classification: Likely benign for Hereditary cancer-predisposing syndrome. Last evaluated: 2023-03-23. Review status: criteria provided, single submitter. Criteria: Dines et al. (Genet Med. 2020). Collection method: curation. Allele origin: germline.
Comment: Missense variant in a coldspot region where missense variants are very unlikely to be pathogenic (PMID:31911673).

BRCA1 coldspot (exon 11 using historical exon numbering). Reclassification based on statistical prior probability

Sema4
Classification: Uncertain significance for Hereditary cancer-predisposing syndrome. Last evaluated: 2021-11-04. Review status: criteria provided, single submitter. Criteria: Sema4 Curation Guidelines. Collection method: curation. Allele origin: germline.
Comment: The BRCA1 c.1307C>A (p.P436H) variant has not been reported in the literature to our knowledge. It was not observed in the large and broad cohorts of the Genome Aggregation Database (PMID: 32461654), nor has it been reported in ClinVar. Functional studies have not been performed, and in silico predictions of the variant's effect on protein function are inconclusive. The evidence is insufficient to meet ACMG/AMP criteria for classifying the variant as benign or pathogenic. Thus, the clinical significance of this variant is currently uncertain.

Color Diagnostics, LLC DBA Color Health
Classification: Uncertain significance for Hereditary cancer-predisposing syndrome. Last evaluated: 2021-10-11. Review status: criteria provided, single submitter. Criteria: ACMG Guidelines, 2015. Collection method: clinical testing. Allele origin: germline.
Comment: This missense variant replaces proline with histidine at codon 436 of the BRCA1 protein. Computational prediction suggests that this variant may not impact protein structure and function (internally defined REVEL score threshold <= 0.5, PMID: 27666373). To our knowledge, functional studies have not been reported for this variant. This variant has not been reported in individuals affected with hereditary cancer in the literature. This variant has not been identified in the general population by the Genome Aggregation Database (gnomAD). The available evidence is insufficient to determine the role of this variant in disease conclusively. Therefore, this variant is classified as a Variant of Uncertain Significance.

Labcorp Genetics (formerly Invitae), Labcorp
Classification: Uncertain significance for Hereditary breast ovarian cancer syndrome. Last evaluated: 2021-10-08. Review status: criteria provided, single submitter. Criteria: Invitae Variant Classification Sherloc (09022015). Collection method: clinical testing. Allele origin: germline.
Comment: This sequence change replaces proline with histidine at codon 436 of the BRCA1 protein (p.Pro436His). The proline residue is moderately conserved and there is a moderate physicochemical difference between proline and histidine. This variant is not present in population databases (ExAC no frequency). This variant has not been reported in the literature in individuals affected with BRCA1-related conditions. Advanced modeling of protein sequence and biophysical properties (such as structural, functional, and spatial information, amino acid conservation, physicochemical variation, residue mobility, and thermodynamic stability) performed at Invitae indicates that this missense variant is not expected to disrupt BRCA1 protein function. In summary, the available evidence is currently insufficient to determine the role of this variant in disease. Therefore, it has been classified as a Variant of Uncertain Significance.

NM_007294.4(BRCA1):c.1307C>A (p.Pro436His)

Gene: BRCA1 (BRCA1 DNA repair associated; minus strand). Cytogenetic location: 17q21.31.
Variant type: single nucleotide variant.
Coding change: c.1307C>A on transcript NM_007294.4 (MANE Select); coding-DNA position 1307, C replaced by A.
Protein change: p.Pro436His; replaces proline 436 with histidine.
Molecular consequence: missense variant. On other transcripts: intron variant (137).
Genome position (GRCh38, 1-based): chr17:43,094,224, G>T on the plus strand (C>A on the coding strand, the complement: BRCA1 is on the minus strand). VCF-style: chr17-43094224-G-T. GRCh37 (hg19) VCF-style: chr17-41246241-G-T.
Other names: c.1097C>A, p.Pro366His (NM_001407909.1, NM_001407910.1, NM_001407879.1 and 13 more transcripts); c.1094C>A, p.Pro365His (NM_001407915.1, NM_001407916.1, NM_001407917.1 and 9 more transcripts); c.1184C>A, p.Pro395His (NM_001407919.1, NM_001407937.1, NM_001407938.1 and 19 more transcripts); c.1043C>A, p.Pro348His (NM_001407920.1, NM_001407921.1, NM_001407922.1 and 9 more transcripts); c.1040C>A, p.Pro347His (NM_001407930.1, NM_001407931.1, NM_001407932.1 and 2 more transcripts); c.1181C>A, p.Pro394His (NM_001407940.1, NM_001407941.1, NM_001407649.1 and 11 more transcripts); c.1166C>A, p.Pro389His (NM_001407942.1, NM_001407944.1, NM_001407945.1 and 29 more transcripts); c.1163C>A, p.Pro388His (NM_001407943.1, NM_001407964.1, NM_001407740.1 and 20 more transcripts); and 40 more; short protein forms P436H, P389H, P308H, P325H, P395H, P140H, P348H, P394H.
Identifiers: ClinVar variation 1382181 (VCV001382181.14), dbSNP rs2154459839, ClinGen allele CA10599438.